The following is an entry in ClinVar:

NM_002734.5(PRKAR1A):c.253C>A (p.Pro85Thr)

Gene: PRKAR1A (protein kinase cAMP-dependent type I regulatory subunit alpha; plus strand). Cytogenetic location: 17q24.2.
Variant type: single nucleotide variant.
Coding change: c.253C>A on transcript NM_002734.5 (MANE Select); coding-DNA position 253, C replaced by A.
Protein change: p.Pro85Thr; replaces proline 85 with threonine.
Molecular consequence: missense variant.
Genome position (GRCh38, 1-based): chr17:68,522,831, C>A. VCF-style: chr17-68522831-C-A. GRCh37 (hg19) VCF-style: chr17-66518972-C-A.
Other names: c.253C>A, p.Pro85Thr (NM_001276289.2, NM_001276290.1, NM_001278433.2 and 4 more transcripts); short protein forms P85T.
Identifiers: ClinVar variation 4841385 (VCV004841385.1).
Genomic context (GRCh38, chr17:68,522,831, plus strand): 5'-ATTCAGAATCTGCAGAAAGCAGGCACTCGTACAGACTCAAGGGAGGATGAGATTTCTCCT[C>A]CTCCACCCAACCCAGTGGTTAAAGGTAGGAGGCGACGAGGTGCTATCAGCGCTGAGGTCT-3'
Protein context (NP_002725.1, residues 75-95): TDSREDEISP[Pro85Thr]PPNPVVKGRR

ClinVar aggregate classification (germline): Uncertain significance (1 of 4 stars; one submission).

Conditions:
Hereditary cancer-predisposing syndrome. Also called: Neoplastic Syndromes, Hereditary; Tumor predisposition; Hereditary Cancer Syndrome; Hereditary neoplastic syndrome. Identifiers: Orphanet 140162, MedGen C0027672, MeSH D009386, MONDO:0015356.

Submission:

Ambry Genetics
Classification: Uncertain significance for Hereditary cancer-predisposing syndrome. Last evaluated: 2025-12-15. Review status: criteria provided, single submitter. Criteria: Ambry Variant Classification Scheme 2023. Collection method: clinical testing. Allele origin: germline.
Comment: The p.P85T variant (also known as c.253C>A), located in coding exon 2 of the PRKAR1A gene, results from a C to A substitution at nucleotide position 253. The proline at codon 85 is replaced by threonine, an amino acid with highly similar properties. This amino acid position is highly conserved in available vertebrate species. In addition, this alteration is predicted to be deleterious by in silico analysis. Based on the available evidence, the clinical significance of this variant remains unclear.